The following is an entry in ClinVar:

NM_001278512.2(AP3B2):c.1182G>A (p.Lys394=)

Genes: AP3B2 (adaptor related protein complex 3 subunit beta 2; minus strand), CPEB1-AS1 (CPEB1 antisense RNA 1; plus strand). Cytogenetic location: 15q25.2.
Variant type: single nucleotide variant.
Coding change: c.1182G>A on transcript NM_001278512.2 (MANE Select); coding-DNA position 1182, G replaced by A.
Protein change: p.Lys394=; no amino-acid change (lysine 394 retained).
Molecular consequence: synonymous variant.
Genome position (GRCh38, 1-based): chr15:82,679,729, C>T on the plus strand (G>A on the coding strand, the complement: AP3B2 is on the minus strand). VCF-style: chr15-82679729-C-T. GRCh37 (hg19) VCF-style: chr15-83348481-C-T.
Other names: 1182G-A; c.1086G>A, p.Lys362= (NM_001278511.2); c.1182G>A, p.Lys394= (NM_004644.5).
Identifiers: ClinVar variation 374846 (VCV000374846.5), dbSNP rs1057519269, ClinGen allele CA16043935.

ClinVar aggregate classification (germline): Likely pathogenic. Review status: criteria provided, single submitter (1 of 4 stars). 3 submissions from 3 submitters: Likely pathogenic (1). 2 of the submissions do not count toward it. Last evaluated 2025-06-05.

Conditions:
Developmental and epileptic encephalopathy, 48 (DEE48). Also called: Epileptic encephalopathy, early infantile, 48. Identifiers: MedGen C4310637, MONDO:0015000, OMIM 617276.
Epileptic encephalopathy. Identifiers: MedGen C0543888, HP:0200134.

Allele frequency attached by ClinVar (database versions not stated): gnomAD exomes below 0.00001.

Submissions (3):

Women's Health and Genetics/Laboratory Corporation of America, LabCorp
Classification: Likely pathogenic for Developmental and epileptic encephalopathy, 48. Last evaluated: 2025-06-05. Review status: criteria provided, single submitter. Criteria: LabCorp Variant Classification Summary - May 2015. Collection method: clinical testing. Allele origin: germline.
Comment: Variant summary: AP3B2 c.1182G>A (p.Lys394Lys) alters a conserved nucleotide located close to a canonical splice site and therefore could affect mRNA splicing, leading to a significantly altered protein sequence. Several computational tools predict a significant impact on normal splicing: At least one publication reports experimental evidence that this variant affects mRNA splicing (Assoum_2016). The variant was absent in 249232 control chromosomes. c.1182G>A has been observed in individual(s) affected with Developmental And Epileptic Encephalopathy, 48 (Assoum_2016). The following publication has been ascertained in the context of this evaluation (PMID: 27889060). ClinVar contains an entry for this variant (Variation ID: 374846). Based on the evidence outlined above, the variant was classified as likely pathogenic.

OMIM
Classification: Pathogenic for DEVELOPMENTAL AND EPILEPTIC ENCEPHALOPATHY 48. Last evaluated: 2020-11-19. Review status: no assertion criteria provided. Collection method: literature only. Allele origin: germline. Not counted in ClinVar's aggregate classification.

Equipe Genetique des Anomalies du Developpement, Université de Bourgogne
Classification: Likely pathogenic for Epileptic encephalopathy. Review status: no assertion criteria provided. Collection method: clinical testing. Allele origin: inherited. Affected: yes. Not counted in ClinVar's aggregate classification.

Literature cited by the submitters: PubMed 27889060 (cited by Women's Health and Genetics/Laboratory Corporation of America, LabCorp and OMIM).